The following is an entry in ClinVar:

NM_006015.6(ARID1A):c.456A>T (p.Gln152His)

Gene: ARID1A (AT-rich interaction domain 1A; plus strand). Cytogenetic location: 1p36.11.
Variant type: single nucleotide variant.
Coding change: c.456A>T on transcript NM_006015.6 (MANE Select); coding-DNA position 456, A replaced by T.
Protein change: p.Gln152His; replaces glutamine 152 with histidine.
Molecular consequence: missense variant.
Genome position (GRCh38, 1-based): chr1:26,696,859, A>T. VCF-style: chr1-26696859-A-T. GRCh37 (hg19) VCF-style: chr1-27023350-A-T.
Other names: c.456A>T, p.Gln152His (NM_139135.4); short protein forms Q152H.
Identifiers: ClinVar variation 2638526 (VCV002638526.27), dbSNP rs1043397333, ClinGen allele CA339265280.

ClinVar aggregate classification (germline): Uncertain significance. Review status: criteria provided, multiple submitters, no conflicts (2 of 4 stars). 2 submissions from 2 submitters: Uncertain significance (2). Last evaluated 2023-03-01.

gnomAD v4.1: 1 of 1,340,294 alleles (0.000075%); highest among the groups gnomAD compares: Non-Finnish European, 0.000095%; no homozygotes.

Submissions (2):

CeGaT Center for Human Genetics Tuebingen
Classification: Uncertain significance. Last evaluated: 2023-03-01. Review status: criteria provided, single submitter. Criteria: CeGaT Center For Human Genetics Tuebingen Variant Classification Criteria Version 2. Collection method: clinical testing. Allele origin: germline. Affected: yes. Observed: 1 variant allele.
Comment: ARID1A: PM2, PP2

Labcorp Genetics (formerly Invitae), Labcorp
Classification: Uncertain significance. Last evaluated: 2022-10-15. Review status: criteria provided, single submitter. Criteria: Invitae Variant Classification Sherloc (09022015). Collection method: clinical testing. Allele origin: germline.
Comment: In summary, the available evidence is currently insufficient to determine the role of this variant in disease. Therefore, it has been classified as a Variant of Uncertain Significance. Advanced modeling of protein sequence and biophysical properties (such as structural, functional, and spatial information, amino acid conservation, physicochemical variation, residue mobility, and thermodynamic stability) performed at Invitae indicates that this missense variant is not expected to disrupt ARID1A protein function. This variant has not been reported in the literature in individuals affected with ARID1A-related conditions. This variant is not present in population databases (gnomAD no frequency). This sequence change replaces glutamine, which is neutral and polar, with histidine, which is basic and polar, at codon 152 of the ARID1A protein (p.Gln152His).